The following is an entry in ClinVar:

ClinVar aggregate classification (germline): Likely pathogenic (1 of 4 stars; one submission).

Conditions:
CHARGE syndrome (CHARGE). Also called: Coloboma, heart anomaly, choanal atresia, retardation, genital and ear anomalies; CHARGE association; Hall-Hittner syndrome; Hittner Hirsch Kreh syndrome; CHARGE ASSOCIATION--COLOBOMA, HEART ANOMALY, CHOANAL ATRESIA, RETARDATION, GENITAL AND EAR ANOMALIES. Identifiers: Orphanet 138, MedGen C0265354, MONDO:0008965.

Submission:

Labcorp Genetics (formerly Invitae), Labcorp
Classification: Likely pathogenic for CHARGE syndrome. Last evaluated: 2021-03-29. Review status: criteria provided, single submitter. Criteria: Invitae Variant Classification Sherloc (09022015). Collection method: clinical testing. Allele origin: germline.
Comment: This variant, c.7390_7419del, results in the deletion of 10 amino acid(s) of the CHD7 protein (p.Lys2464_Pro2473del), but otherwise preserves the integrity of the reading frame. This variant is not present in population databases (ExAC no frequency). This variant has been observed in individual(s) with clinical features of CHARGE syndrome (Invitae). In at least one individual the variant was observed to be de novo. Experimental studies and prediction algorithms are not available or were not evaluated, and the functional significance of this variant is currently unknown. In summary, the currently available evidence indicates that the variant is pathogenic, but additional data are needed to prove that conclusively. Therefore, this variant has been classified as Likely Pathogenic.

NM_017780.4(CHD7):c.7390_7419del (p.Lys2464_Pro2473del)

Gene: CHD7 (chromodomain helicase DNA binding protein 7; plus strand). Cytogenetic location: 8q12.2.
Variant type: Deletion.
Coding change: c.7390_7419del on transcript NM_017780.4 (MANE Select); coding-DNA positions 7390 to 7419, 30 bases deleted (AAGTTTATCTTGCCTAATGTCTCAACACCA).
Protein change: p.Lys2464_Pro2473del.
Molecular consequence: inframe deletion. On other transcripts: intron variant (1).
Genome position (GRCh38, 1-based): chr8:60,856,670-60,856,699, AAGTTTATCTTGCCTAATGTCTCAACACCA deleted; deleting any 30 consecutive bases within chr8:60,856,668-60,856,699 gives the same sequence; the c. name uses the placement nearest the transcript's 3' end. VCF-style (leftmost placement, unchanged base first): chr8-60856667-TCAAAGTTTATCTTGCCTAATGTCTCAACAC-T. GRCh37 (hg19) VCF-style: chr8-61769226-TCAAAGTTTATCTTGCCTAATGTCTCAACAC-T.
Other names: c.1717-5559_1717-5530del (NM_001316690.1).
Identifiers: ClinVar variation 1522873 (VCV001522873.8), dbSNP rs2129650387, ClinGen allele CA2573143281.